The following is an entry in ClinVar:

NM_000392.5(ABCC2):c.1326G>A (p.Trp442Ter)

Gene: ABCC2 (ATP binding cassette subfamily C member 2; plus strand). Cytogenetic location: 10q24.2.
Variant type: single nucleotide variant.
Coding change: c.1326G>A on transcript NM_000392.5 (MANE Select); coding-DNA position 1326, G replaced by A.
Protein change: p.Trp442Ter; replaces tryptophan 442 with a stop codon.
Molecular consequence: nonsense.
Genome position (GRCh38, 1-based): chr10:99,804,135, G>A. VCF-style: chr10-99804135-G-A. GRCh37 (hg19) VCF-style: chr10-101563892-G-A.
Other names: short protein forms W442*.
Identifiers: ClinVar variation 2910249 (VCV002910249.3), dbSNP rs759252777, ClinGen allele CA378107212.

ClinVar aggregate classification (germline): Pathogenic (1 of 4 stars; one submission).

Submission:

Labcorp Genetics (formerly Invitae), Labcorp
Classification: Pathogenic. Last evaluated: 2023-05-27. Review status: criteria provided, single submitter. Criteria: Invitae Variant Classification Sherloc (09022015). Collection method: clinical testing. Allele origin: germline.
Comment: For these reasons, this variant has been classified as Pathogenic. Algorithms developed to predict the effect of sequence changes on RNA splicing suggest that this variant may disrupt the consensus splice site. This premature translational stop signal has been observed in individual(s) with Dubin-Johnson syndrome (PMID: 28713894, 34150028). This variant is not present in population databases (gnomAD no frequency). This sequence change creates a premature translational stop signal (p.Trp442*) in the ABCC2 gene. It is expected to result in an absent or disrupted protein product. Loss-of-function variants in ABCC2 are known to be pathogenic (PMID: 9185779, 16549534, 16952291).

Literature cited by the submitters: PubMed 28713894; PubMed 34150028; PubMed 9185779; PubMed 16549534; PubMed 16952291.